The following is an entry in ClinVar:

NM_000297.4(PKD2):c.2837C>T (p.Pro946Leu)

Gene: PKD2 (polycystin 2, transient receptor potential cation channel; plus strand). Cytogenetic location: 4q22.1.
Variant type: single nucleotide variant.
Coding change: c.2837C>T on transcript NM_000297.4 (MANE Select); coding-DNA position 2837, C replaced by T.
Protein change: p.Pro946Leu; replaces proline 946 with leucine.
Molecular consequence: missense variant. On other transcripts: non-coding transcript variant (1).
Genome position (GRCh38, 1-based): chr4:88,075,624, C>T. VCF-style: chr4-88075624-C-T. GRCh37 (hg19) VCF-style: chr4-88996776-C-T.
Other names: short protein forms P946L.
Identifiers: ClinVar variation 836727 (VCV000836727.14), dbSNP rs370039125, ClinGen allele CA3004376.

ClinVar aggregate classification (germline): Uncertain significance. Review status: criteria provided, multiple submitters, no conflicts (2 of 4 stars). 4 submissions from 4 submitters: Uncertain significance (4). Last evaluated 2026-01-29.

Conditions:
Polycystic kidney disease 2 (PKD2). Also called: Polycystic Kidney Disease 2, Autosomal Dominant; POLYCYSTIC KIDNEY DISEASE 2 WITH OR WITHOUT POLYCYSTIC LIVER DISEASE; POLYCYSTIC KIDNEY DISEASE, ADULT, TYPE II. Identifiers: MedGen C2751306, MONDO:0013131, OMIM 613095.
Autosomal dominant polycystic kidney disease. Identifiers: Orphanet 730, MedGen C0085413, MONDO:0004691.

Allele frequency attached by ClinVar (database versions not stated): TOPMed 0.00002; ESP Exome Variant Server 0.00008; gnomAD 0.00001.
gnomAD v4.1: 70 of 1,614,064 alleles (0.0043%); highest among the groups gnomAD compares: Middle Eastern, 0.016%; no homozygotes.

Submissions (4):

Labcorp Genetics (formerly Invitae), Labcorp
Classification: Uncertain significance for Autosomal dominant polycystic kidney disease. Last evaluated: 2026-01-29. Review status: criteria provided, single submitter. Criteria: Invitae Variant Classification Sherloc (09022015). Collection method: clinical testing. Allele origin: germline.
Comment: This sequence change replaces proline, which is neutral and non-polar, with leucine, which is neutral and non-polar, at codon 946 of the PKD2 protein (p.Pro946Leu). This variant is present in population databases (rs370039125, gnomAD 0.009%). This missense change has been observed in individual(s) with clinical features of autosomal dominant polycystic kidney disease (PMID: 27499327). ClinVar contains an entry for this variant (Variation ID: 836727). An algorithm developed to predict the effect of missense changes on protein structure and function (PolyPhen-2) suggests that this variant is likely to be disruptive. In summary, the available evidence is currently insufficient to determine the role of this variant in disease. Therefore, it has been classified as a Variant of Uncertain Significance.

Blueprint Genetics
Classification: Uncertain significance. Last evaluated: 2024-11-22. Review status: criteria provided, single submitter. Criteria: ACMG Guidelines, 2015. Collection method: clinical testing. Allele origin: germline.

Fulgent Genetics
Classification: Uncertain significance for Polycystic kidney disease 2. Last evaluated: 2024-04-12. Review status: criteria provided, single submitter. Criteria: ACMG Guidelines, 2015. Collection method: clinical testing. Allele origin: germline.

Department of Pathology and Laboratory Medicine, Sinai Health System
Classification: Uncertain significance for Polycystic kidney disease 2. Last evaluated: 2023-10-25. Review status: criteria provided, single submitter. Criteria: ACMG Guidelines, 2015. Collection method: clinical testing. Allele origin: germline. Affected: yes.

Literature cited by the submitters: PubMed 27499327 (cited by Labcorp Genetics (formerly Invitae), Labcorp and Department of Pathology and Laboratory Medicine, Sinai Health System).